The following is an entry in ClinVar:

ClinVar aggregate classification (germline): Uncertain significance (1 of 4 stars; one submission).

Conditions:
Autoimmune lymphoproliferative syndrome type 2A (ALPS2A). Also called: Autoimmune lymphoproliferative syndrome type 2; CASP10-Related Autoimmune Lymphoproliferative Syndrome; AUTOIMMUNE LYMPHOPROLIFERATIVE SYNDROME, TYPE IIA. Identifiers: Orphanet 3261, MedGen C1858968, MONDO:0011383, OMIM 603909.

Submission:

Labcorp Genetics (formerly Invitae), Labcorp
Classification: Uncertain significance for Autoimmune lymphoproliferative syndrome type 2A. Last evaluated: 2023-03-08. Review status: criteria provided, single submitter. Criteria: Invitae Variant Classification Sherloc (09022015). Collection method: clinical testing. Allele origin: germline.
Comment: In summary, the available evidence is currently insufficient to determine the role of this variant in disease. Therefore, it has been classified as a Variant of Uncertain Significance. This variant has not been reported in the literature in individuals affected with CASP10-related conditions. This variant results in a copy number gain of the genomic region encompassing exon(s) 4 of the CASP10 gene. While the exact position of this variant cannot be determined from the data, sub-genic copy number gains are generally in tandem (PMID: 25640679). This variant is predicted to be out-of-frame, and may result in an absent or disrupted protein product. However, the current clinical and genetic evidence is not sufficient to establish whether loss-of-function variants in CASP10 cause disease.

Literature cited by the submitters: PubMed 25640679.

NC_000002.12:g.(?_201192964)_(201193139_?)dup

Gene: CASP10 (caspase 10; plus strand). Cytogenetic location: 2q33.1.
Variant type: Duplication.
Identifiers: ClinVar variation 833232 (VCV000833232.5).